The following is an entry in ClinVar:

NM_024876.4(COQ8B):c.1519G>A (p.Ala507Thr)

Gene: COQ8B (coenzyme Q8B; minus strand). Cytogenetic location: 19q13.2.
Variant type: single nucleotide variant.
Coding change: c.1519G>A on transcript NM_024876.4 (MANE Select); coding-DNA position 1519, G replaced by A.
Protein change: p.Ala507Thr; replaces alanine 507 with threonine.
Molecular consequence: missense variant.
Genome position (GRCh38, 1-based): chr19:40,692,151, C>T on the plus strand (G>A on the coding strand, the complement: COQ8B is on the minus strand). VCF-style: chr19-40692151-C-T. GRCh37 (hg19) VCF-style: chr19-41198056-C-T.
Other names: c.1396G>A, p.Ala466Thr (NM_001142555.3); short protein forms A466T, A507T.
Identifiers: ClinVar variation 2722385 (VCV002722385.4), dbSNP rs199651767, ClinGen allele CA9449982.

ClinVar aggregate classification (germline): Conflicting classifications of pathogenicity. Review status: criteria provided, conflicting classifications (1 of 4 stars). 2 submissions from 2 submitters: Uncertain significance (1); Likely benign (1). Last evaluated 2026-01-22.

Conditions:
Nephrotic syndrome, type 9 (NPHS9). Identifiers: Orphanet 656, MedGen C3809965, MONDO:0014257, OMIM 615573.

Allele frequency attached by ClinVar (database versions not stated): gnomAD exomes 0.00005; gnomAD 0.00017; 1000 Genomes Project 30x 0.00062; TOPMed 0.00012; ExAC 0.00018; 1000 Genomes Project 0.00060.
gnomAD v4.1: 106 of 1,599,876 alleles (0.0066%); highest among the groups gnomAD compares: East Asian, 0.19%; no homozygotes.

Submissions (2):

3billion
Classification: Uncertain significance for Nephrotic syndrome, type 9. Last evaluated: 2026-01-22. Review status: criteria provided, single submitter. Criteria: ACMG Guidelines, 2015. Collection method: clinical testing. Allele origin: germline. Affected: yes.
Comment: The variant is observed at an extremely low frequency in the gnomAD v4.1.0 dataset (total allele frequency: 0.007%). Predicted Consequence/Location: Missense variant Damaging effect on gene or gene product predicted by in silico programs is uncertain [3Cnet: 0.33 (damaging >0.75, benign <0.1)]. The variant has been reported as benign without evidence for the classification (ClinVar ID: VCV002722385). Therefore, this variant is classified as VUS according to the recommendation of ACMG/AMP guideline.

Labcorp Genetics (formerly Invitae), Labcorp
Classification: Likely benign. Last evaluated: 2025-02-27. Review status: criteria provided, single submitter. Criteria: Invitae Variant Classification Sherloc (09022015). Collection method: clinical testing. Allele origin: germline.